The following is an entry in ClinVar:

ClinVar aggregate classification (germline): Uncertain significance (1 of 4 stars; one submission).

Allele frequency attached by ClinVar (database versions not stated): gnomAD 0.00002; TOPMed 0.00002; ExAC 0.00003.
gnomAD v4.1: 31 of 1,612,408 alleles (0.0019%); highest among the groups gnomAD compares: Non-Finnish European, 0.00034%; no homozygotes.

Submission:

Labcorp Genetics (formerly Invitae), Labcorp
Classification: Uncertain significance. Last evaluated: 2025-07-16. Review status: criteria provided, single submitter. Criteria: Invitae Variant Classification Sherloc (09022015). Collection method: clinical testing. Allele origin: germline.
Comment: This sequence change replaces arginine, which is basic and polar, with serine, which is neutral and polar, at codon 640 of the ACAN protein (p.Arg640Ser). This variant is present in population databases (rs763391616, gnomAD 0.06%). This variant has not been reported in the literature in individuals affected with ACAN-related conditions. ClinVar contains an entry for this variant (Variation ID: 2420683). Invitae Evidence Modeling of protein sequence and biophysical properties (such as structural, functional, and spatial information, amino acid conservation, physicochemical variation, residue mobility, and thermodynamic stability) indicates that this missense variant is not expected to disrupt ACAN protein function with a negative predictive value of 80%. In summary, the available evidence is currently insufficient to determine the role of this variant in disease. Therefore, it has been classified as a Variant of Uncertain Significance.

NM_001369268.1(ACAN):c.1920G>C (p.Arg640Ser)

Gene: ACAN (aggrecan; plus strand). Cytogenetic location: 15q26.1.
Variant type: single nucleotide variant.
Coding change: c.1920G>C on transcript NM_001369268.1 (MANE Select); coding-DNA position 1920, G replaced by C.
Protein change: p.Arg640Ser; replaces arginine 640 with serine.
Molecular consequence: missense variant.
Genome position (GRCh38, 1-based): chr15:88,849,625, G>C. VCF-style: chr15-88849625-G-C. GRCh37 (hg19) VCF-style: chr15-89392856-G-C.
Other names: c.1920G>C, p.Arg640Ser (NM_001135.4, NM_001411096.1, NM_001411097.1 and 1 more transcripts); short protein forms R640S.
Identifiers: ClinVar variation 2420683 (VCV002420683.6), dbSNP rs763391616, ClinGen allele CA7719729.